The following is an entry in ClinVar:

NM_003628.6(PKP4):c.3299C>T (p.Ser1100Leu)

Genes: PKP4 (plakophilin 4; plus strand), PKP4-AS1 (PKP4 antisense RNA 1; minus strand). Cytogenetic location: 2q24.1.
Variant type: single nucleotide variant.
Coding change: c.3299C>T on transcript NM_003628.6 (MANE Select); coding-DNA position 3299, C replaced by T.
Protein change: p.Ser1100Leu; replaces serine 1100 with leucine.
Molecular consequence: missense variant.
Genome position (GRCh38, 1-based): chr2:158,678,623, C>T. VCF-style: chr2-158678623-C-T. GRCh37 (hg19) VCF-style: chr2-159535135-C-T.
Other names: c.3170C>T, p.Ser1057Leu (NM_001005476.4, NM_001377225.1); c.3296C>T, p.Ser1099Leu (NM_001304969.3, NM_001377219.1, NM_001377220.1 and 1 more transcripts); c.2270C>T, p.Ser757Leu (NM_001304970.3); c.3299C>T, p.Ser1100Leu (NM_001377218.1); c.3293C>T, p.Ser1098Leu (NM_001377222.1, NM_001377223.1); c.3290C>T, p.Ser1097Leu (NM_001377224.1); c.3167C>T, p.Ser1056Leu (NM_001377226.1); short protein forms S1056L, S1057L, S1097L, S1098L, S1100L, S757L, S1099L.
Identifiers: ClinVar variation 2625293 (VCV002625293.2), dbSNP rs2058218489, ClinGen allele CA348908697.

ClinVar aggregate classification (germline): Uncertain significance (1 of 4 stars; one submission).

Allele frequency attached by ClinVar (database versions not stated): TOPMed below 0.00001.

Submission:

Ambry Genetics
Classification: Uncertain significance. Last evaluated: 2023-09-06. Review status: criteria provided, single submitter. Criteria: Ambry Variant Classification Scheme 2023. Collection method: clinical testing. Allele origin: germline.
Comment: The p.S1100L variant (also known as c.3299C>T), located in coding exon 20 of the PKP4 gene, results from a C to T substitution at nucleotide position 3299. The serine at codon 1100 is replaced by leucine, an amino acid with dissimilar properties. This amino acid position is conserved. In addition, the in silico prediction for this alteration is inconclusive. Since supporting evidence is limited at this time, the clinical significance of this alteration remains unclear.